The following is an entry in ClinVar:

NM_004444.5(EPHB4):c.236C>T (p.Pro79Leu)

Gene: EPHB4 (EPH receptor B4; minus strand). Cytogenetic location: 7q22.1.
Variant type: single nucleotide variant.
Coding change: c.236C>T on transcript NM_004444.5 (MANE Select); coding-DNA position 236, C replaced by T.
Protein change: p.Pro79Leu; replaces proline 79 with leucine.
Molecular consequence: missense variant.
Genome position (GRCh38, 1-based): chr7:100,823,819, G>A on the plus strand (C>T on the coding strand, the complement: EPHB4 is on the minus strand). VCF-style: chr7-100823819-G-A. GRCh37 (hg19) VCF-style: chr7-100421441-G-A.
Other names: short protein forms P79L.
Identifiers: ClinVar variation 1372445 (VCV001372445.11), dbSNP rs542089930, ClinGen allele CA4393368.
Genomic context (GRCh38, chr7:100,823,819, plus strand): 5'-GACAGGCACTCGAGCATGGTGAAGCGCAGCGTGGCGTACACGTGGACGGCGCCCCGCCGT[G>A]GGACCCAACCTGTGCGAAGCCAGTGGGCCTGGCCCGGGGCACGCTGCACGTCACACACTT-3'
Protein context (NP_004435.3, residues 69-89): QAHWLRTGWV[Pro79Leu]RRGAVHVYAT

ClinVar aggregate classification (germline): Conflicting classifications of pathogenicity. Review status: criteria provided, conflicting classifications (1 of 4 stars). 4 submissions from 4 submitters: Uncertain significance (2); Benign (1); Likely benign (1). Last evaluated 2026-05-13.

Conditions:
Cardiovascular phenotype. Identifiers: MedGen CN230736.

Allele frequency attached by ClinVar (database versions not stated): gnomAD exomes 0.00007 and 0.00010; TOPMed 0.00008; gnomAD 0.00010; ExAC 0.00012; 1000 Genomes Project 30x 0.00016; 1000 Genomes Project 0.00020.
gnomAD v4.1: 110 of 1,613,340 alleles (0.0068%); highest among the groups gnomAD compares: Middle Eastern, 0.017%; no homozygotes.

Submissions (4):

Ambry Genetics
Classification: Benign for Cardiovascular phenotype. Last evaluated: 2026-05-13. Review status: criteria provided, single submitter. Criteria: Ambry Variant Classification Scheme 2023. Collection method: clinical testing. Allele origin: germline.

Blueprint Genetics
Classification: Likely benign. Last evaluated: 2024-09-13. Review status: criteria provided, single submitter. Criteria: ACMG Guidelines, 2015. Collection method: clinical testing. Allele origin: germline.

Labcorp Genetics (formerly Invitae), Labcorp
Classification: Uncertain significance. Last evaluated: 2021-08-21. Review status: criteria provided, single submitter. Criteria: Invitae Variant Classification Sherloc (09022015). Collection method: clinical testing. Allele origin: germline.
Comment: Algorithms developed to predict the effect of missense changes on protein structure and function are either unavailable or do not agree on the potential impact of this missense change (SIFT: "Deleterious"; PolyPhen-2: "Possibly Damaging"; Align-GVGD: "Class C0"). In summary, the available evidence is currently insufficient to determine the role of this variant in disease. Therefore, it has been classified as a Variant of Uncertain Significance. This variant has not been reported in the literature in individuals affected with EPHB4-related conditions. This variant is present in population databases (rs542089930, ExAC 0.02%), and has an allele count higher than expected for a pathogenic variant (PMID: 28166811). This sequence change replaces proline with leucine at codon 79 of the EPHB4 protein (p.Pro79Leu). The proline residue is highly conserved and there is a moderate physicochemical difference between proline and leucine.

Breakthrough Genomics
Classification: Uncertain significance. Review status: criteria provided, single submitter. Criteria: ACMG Guidelines, 2015. Collection method: not provided. Allele origin: germline. Inheritance: Autosomal recessive inheritance. Affected: yes.

Literature cited by the submitters: PubMed 28166811 (cited by Labcorp Genetics (formerly Invitae), Labcorp).